The following is an entry in ClinVar:

NM_015340.4(LARS2):c.135A>T (p.Gly45=)

Gene: LARS2 (leucyl-tRNA synthetase 2, mitochondrial; plus strand). Cytogenetic location: 3p21.31.
Variant type: single nucleotide variant.
Coding change: c.135A>T on transcript NM_015340.4 (MANE Select); coding-DNA position 135, A replaced by T.
Protein change: p.Gly45=; no amino-acid change (glycine 45 retained).
Molecular consequence: synonymous variant.
Genome position (GRCh38, 1-based): chr3:45,394,588, A>T. VCF-style: chr3-45394588-A-T. GRCh37 (hg19) VCF-style: chr3-45436080-A-T.
Other names: c.135A>T, p.Gly45= (NM_001368263.1).
Identifiers: ClinVar variation 1914230 (VCV001914230.4), dbSNP rs143095137, ClinGen allele CA2349200.
Genomic context (GRCh38, chr3:45,394,588, plus strand): 5'-CATCAAGTGGGAAAGGAGAGTAATTCCCGGATGTACCAGAAGCATCTACAGTGCCACGGG[A>T]AAGTGGACAAAAGAGTATACATTGCAGACAAGAAAGGATGTTGAGAAATGGTGGCATCAA-3'
Protein context (NP_056155.1, residues 35-55): GCTRSIYSAT[Gly45=]KWTKEYTLQT

ClinVar aggregate classification (germline): Uncertain significance (1 of 4 stars; one submission).

Allele frequency attached by ClinVar (database versions not stated): gnomAD exomes below 0.00001; ExAC 0.00002; gnomAD 0.00002; TOPMed 0.00003; ESP Exome Variant Server 0.00015.
gnomAD v4.1: 6 of 1,614,030 alleles (0.00037%); highest among the groups gnomAD compares: African/African-American, 0.0067%; no homozygotes.

Submission:

Labcorp Genetics (formerly Invitae), Labcorp
Classification: Uncertain significance. Last evaluated: 2025-12-08. Review status: criteria provided, single submitter. Criteria: Invitae Variant Classification Sherloc (09022015). Collection method: clinical testing. Allele origin: germline.
Comment: This sequence change affects codon 45 of the LARS2 mRNA. It is a 'silent' change, meaning that it does not change the encoded amino acid sequence of the LARS2 protein. The frequency data for this variant in the population databases is considered unreliable, as metrics indicate poor data quality at this position in the gnomAD database. This variant has not been reported in the literature in individuals affected with LARS2-related conditions. ClinVar contains an entry for this variant (Variation ID: 1914230). Algorithms developed to predict the effect of sequence changes on RNA splicing suggest that this variant may disrupt the consensus splice site. In summary, the available evidence is currently insufficient to determine the role of this variant in disease. Therefore, it has been classified as a Variant of Uncertain Significance.